The following is an entry in ClinVar:

ClinVar aggregate classification (germline): Uncertain significance. Review status: criteria provided, multiple submitters, no conflicts (2 of 4 stars). 2 submissions from 2 submitters: Uncertain significance (2). Last evaluated 2025-08-29.

gnomAD v4.1: 1 of 1,614,240 alleles (0.000062%); no homozygotes.

Submissions (2):

Labcorp Genetics (formerly Invitae), Labcorp
Classification: Uncertain significance. Last evaluated: 2025-08-29. Review status: criteria provided, single submitter. Criteria: Invitae Variant Classification Sherloc (09022015). Collection method: clinical testing. Allele origin: germline.
Comment: This sequence change replaces histidine, which is basic and polar, with arginine, which is basic and polar, at codon 571 of the GALNT12 protein (p.His571Arg). This variant is not present in population databases (gnomAD no frequency). This variant has not been reported in the literature in individuals affected with GALNT12-related conditions. ClinVar contains an entry for this variant (Variation ID: 3572306). Invitae Evidence Modeling of protein sequence and biophysical properties (such as structural, functional, and spatial information, amino acid conservation, physicochemical variation, residue mobility, and thermodynamic stability) indicates that this missense variant is not expected to disrupt GALNT12 protein function with a negative predictive value of 80%. In summary, the available evidence is currently insufficient to determine the role of this variant in disease. Therefore, it has been classified as a Variant of Uncertain Significance.

Quest Diagnostics Nichols Institute San Juan Capistrano
Classification: Uncertain significance. Last evaluated: 2024-06-19. Review status: criteria provided, single submitter. Criteria: Quest Diagnostics criteria. Collection method: clinical testing. Allele origin: unknown.
Comment: The GALNT12 c.1712A>G (p.His571Arg) variant has not been reported in individuals with GALNT12-related conditions in the published literature. It also has not been reported in large, multi-ethnic general populations (Genome Aggregation Database). Analysis of this variant using bioinformatics tools for the prediction of the effect of amino acid changes on protein structure and function yielded predictions that this variant is benign. Based on the available information, we are unable to determine the clinical significance of this variant.

NM_024642.5(GALNT12):c.1712A>G (p.His571Arg)

Gene: GALNT12 (polypeptide N-acetylgalactosaminyltransferase 12; plus strand). Cytogenetic location: 9q22.33.
Variant type: single nucleotide variant.
Coding change: c.1712A>G on transcript NM_024642.5 (MANE Select); coding-DNA position 1712, A replaced by G.
Protein change: p.His571Arg; replaces histidine 571 with arginine.
Molecular consequence: missense variant.
Genome position (GRCh38, 1-based): chr9:98,849,058, A>G. VCF-style: chr9-98849058-A-G. GRCh37 (hg19) VCF-style: chr9-101611340-A-G.
Other names: short protein forms H571R.
Identifiers: ClinVar variation 3572306 (VCV003572306.2).